The following is an entry in ClinVar:

ClinVar aggregate classification (germline): Uncertain significance (1 of 4 stars; one submission).

Submission:

Mayo Clinic Laboratories, Mayo Clinic
Classification: Uncertain significance. Last evaluated: 2025-10-10. Review status: criteria provided, single submitter. Criteria: ACMG Guidelines, 2015. Collection method: clinical testing. Allele origin: germline. Observed: 1 variant allele.
Comment: PM2_supporting, PM4

NM_001367624.2(ZNF469):c.3277_3279del (p.Asp1093del)

Genes: ZNF469 (zinc finger protein 469; plus strand), LOC130059718 (ATAC-STARR-seq lymphoblastoid silent region 7847; plus strand). Cytogenetic location: 16q24.2.
Variant type: Deletion.
Coding change: c.3277_3279del on transcript NM_001367624.2 (MANE Select); coding-DNA positions 3277 to 3279, 3 bases deleted (GAC; older notation c.3277_3279delGAC).
Protein change: p.Asp1093del; deletes aspartic acid 1093.
Molecular consequence: inframe deletion.
Genome position (GRCh38, 1-based): chr16:88,430,747-88,430,749, GAC deleted; deleting any 3 consecutive bases within chr16:88,430,745-88,430,749 gives the same sequence; the c. name uses the placement nearest the transcript's 3' end. VCF-style (leftmost placement, unchanged base first): chr16-88430744-TACG-T. GRCh37 (hg19) VCF-style: chr16-88497152-TACG-T.
Other names: p.Asp1093del; short protein forms D1093del.
Identifiers: ClinVar variation 4542060 (VCV004542060.1).